The following is an entry in ClinVar:

ClinVar aggregate classification (germline): Conflicting classifications of pathogenicity. Review status: criteria provided, conflicting classifications (1 of 4 stars). 3 submissions from 3 submitters: Uncertain significance (2); Benign (1). Last evaluated 2024-08-01.

Conditions:
Inborn genetic diseases. Identifiers: MedGen C0950123, MeSH D030342.

Allele frequency attached by ClinVar (database versions not stated): gnomAD exomes below 0.00001; ExAC 0.00001; gnomAD 0.00001; TOPMed 0.00003; ESP Exome Variant Server 0.00008.
gnomAD v4.1: 3 of 1,613,836 alleles (0.00019%); highest among the groups gnomAD compares: African/African-American, 0.004%; no homozygotes.

Submissions (3):

CeGaT Center for Human Genetics Tuebingen
Classification: Uncertain significance. Last evaluated: 2024-08-01. Review status: criteria provided, single submitter. Criteria: CeGaT Center For Human Genetics Tuebingen Variant Classification Criteria Version 2. Collection method: clinical testing. Allele origin: germline. Affected: yes. Observed: 1 variant allele.
Comment: COL11A1: PM2, BP4

Labcorp Genetics (formerly Invitae), Labcorp
Classification: Benign. Last evaluated: 2023-12-11. Review status: criteria provided, single submitter. Criteria: Invitae Variant Classification Sherloc (09022015). Collection method: clinical testing. Allele origin: germline.

Ambry Genetics
Classification: Uncertain significance for Inborn genetic diseases. Last evaluated: 2023-11-28. Review status: criteria provided, single submitter. Criteria: Ambry Variant Classification Scheme 2023. Collection method: clinical testing. Allele origin: germline.

NM_001854.4(COL11A1):c.4692T>G (p.Asp1564Glu)

Gene: COL11A1 (collagen type XI alpha 1 chain; minus strand). Cytogenetic location: 1p21.1.
Variant type: single nucleotide variant.
Coding change: c.4692T>G on transcript NM_001854.4 (MANE Select); coding-DNA position 4692, T replaced by G.
Protein change: p.Asp1564Glu; replaces aspartic acid 1564 with glutamic acid.
Molecular consequence: missense variant. On other transcripts: non-coding transcript variant (1).
Genome position (GRCh38, 1-based): chr1:102,886,973, A>C on the plus strand (T>G on the coding strand, the complement: COL11A1 is on the minus strand). VCF-style: chr1-102886973-A-C. GRCh37 (hg19) VCF-style: chr1-103352529-A-C.
Other names: c.4344T>G, p.Asp1448Glu (NM_001168249.1, NM_080630.4); c.4575T>G, p.Asp1525Glu (NM_001190709.2); c.4728T>G, p.Asp1576Glu (NM_080629.3); c.4692T>G (NM_001854.3); short protein forms D1576E, D1525E, D1564E, D1448E.
Identifiers: ClinVar variation 3017089 (VCV003017089.20), dbSNP rs377486490, ClinGen allele CA973434.
Genomic context (GRCh38, chr1:102,886,973, plus strand): 5'-ATTGAGGGAACCAAATATTTCTTCCATTCCATCCGAGTAATCAAGAATATTATCATCTGC[A>C]TCTGCTTGCATGCCTTCAGTATGTCTTCTCGTTTTTTTGGAGGACAAGATTGGTAAAGGC-3'
Protein context (NP_001845.3, residues 1554-1574): TRRHTEGMQA[Asp1564Glu]ADDNILDYSD